The following is an entry in ClinVar:

NM_001127222.2(CACNA1A):c.2705A>G (p.Asp902Gly)

Gene: CACNA1A (calcium voltage-gated channel subunit alpha1 A; minus strand). Cytogenetic location: 19p13.13.
Variant type: single nucleotide variant.
Coding change: c.2705A>G on transcript NM_001127222.2 (MANE Select); coding-DNA position 2705, A replaced by G.
Protein change: p.Asp902Gly; replaces aspartic acid 902 with glycine.
Molecular consequence: missense variant.
Genome position (GRCh38, 1-based): chr19:13,298,928, T>C on the plus strand (A>G on the coding strand, the complement: CACNA1A is on the minus strand). VCF-style: chr19-13298928-T-C. GRCh37 (hg19) VCF-style: chr19-13409742-T-C.
Other names: c.2717A>G, p.Asp906Gly (NM_000068.4, NM_023035.3); c.2708A>G, p.Asp903Gly (NM_001127221.2, NM_001174080.2); short protein forms D903G, D906G, D902G.
Identifiers: ClinVar variation 5008702 (VCV005008702.1).

ClinVar aggregate classification (germline): Uncertain significance (1 of 4 stars; one submission).

gnomAD v4.1: 1 of 1,594,202 alleles (0.000063%); highest among the groups gnomAD compares: East Asian, 0.0022%; no homozygotes.

Submission:

GeneDx
Classification: Uncertain significance. Last evaluated: 2026-03-05. Review status: criteria provided, single submitter. Criteria: GeneDx Variant Classification Process June 2021. Collection method: clinical testing. Allele origin: germline.
Comment: Not observed at significant frequency in large population cohorts (gnomAD); In silico analysis suggests that this missense variant does not alter protein structure/function; Has not been previously published as pathogenic or benign to our knowledge